The following is an entry in ClinVar:

NM_015466.4(PTPN23):c.2879A>G (p.Gln960Arg)

Gene: PTPN23 (protein tyrosine phosphatase non-receptor type 23; plus strand). Cytogenetic location: 3p21.31.
Variant type: single nucleotide variant.
Coding change: c.2879A>G on transcript NM_015466.4 (MANE Select); coding-DNA position 2879, A replaced by G.
Protein change: p.Gln960Arg; replaces glutamine 960 with arginine.
Molecular consequence: missense variant.
Genome position (GRCh38, 1-based): chr3:47,410,677, A>G. VCF-style: chr3-47410677-A-G. GRCh37 (hg19) VCF-style: chr3-47452167-A-G.
Other names: c.2501A>G, p.Gln834Arg (NM_001304482.2); short protein forms Q834R, Q960R.
Identifiers: ClinVar variation 1508975 (VCV001508975.8), dbSNP rs1032732779, ClinGen allele CA73881142.
Genomic context (GRCh38, chr3:47,410,677, plus strand): 5'-CTGGGATCCCCGCAGGTTTTCCAGCCCCAAGGATTGGGCCCCAGCCCCAGCCCCATCCTC[A>G]GCCCCATCCTTCACAAGCGTTTGGGCCTCAGCCCCCACAGCAGCCCCTTCCACTCCAGCA-3'
Protein context (NP_056281.1, residues 950-970): RIGPQPQPHP[Gln960Arg]PHPSQAFGPQ

ClinVar aggregate classification (germline): Uncertain significance (1 of 4 stars; one submission).

Allele frequency attached by ClinVar (database versions not stated): gnomAD exomes below 0.00001 and 0.00001.
gnomAD v4.1: 2 of 1,588,488 alleles (0.00013%); highest among the groups gnomAD compares: Admixed American, 0.0035%; no homozygotes.

Submission:

Labcorp Genetics (formerly Invitae), Labcorp
Classification: Uncertain significance. Last evaluated: 2022-06-27. Review status: criteria provided, single submitter. Criteria: Invitae Variant Classification Sherloc (09022015). Collection method: clinical testing. Allele origin: germline.
Comment: This variant has not been reported in the literature in individuals affected with PTPN23-related conditions. This variant is present in population databases (no rsID available, gnomAD 0.006%). This sequence change replaces glutamine, which is neutral and polar, with arginine, which is basic and polar, at codon 960 of the PTPN23 protein (p.Gln960Arg). Algorithms developed to predict the effect of missense changes on protein structure and function are either unavailable or do not agree on the potential impact of this missense change (SIFT: "Tolerated"; PolyPhen-2: "Not Available"; Align-GVGD: "Class C0"). In summary, the available evidence is currently insufficient to determine the role of this variant in disease. Therefore, it has been classified as a Variant of Uncertain Significance.